The following is an entry in ClinVar:

ClinVar aggregate classification (germline): Uncertain significance (1 of 4 stars; one submission).

Submission:

Labcorp Genetics (formerly Invitae), Labcorp
Classification: Uncertain significance. Last evaluated: 2022-08-19. Review status: criteria provided, single submitter. Criteria: Invitae Variant Classification Sherloc (09022015). Collection method: clinical testing. Allele origin: germline.
Comment: This sequence change replaces glycine, which is neutral and non-polar, with valine, which is neutral and non-polar, at codon 235 of the DDR2 protein (p.Gly235Val). This variant is not present in population databases (gnomAD no frequency). This variant has not been reported in the literature in individuals affected with DDR2-related conditions. Algorithms developed to predict the effect of missense changes on protein structure and function (SIFT, PolyPhen-2, Align-GVGD) all suggest that this variant is likely to be disruptive. In summary, the available evidence is currently insufficient to determine the role of this variant in disease. Therefore, it has been classified as a Variant of Uncertain Significance.

NM_006182.4(DDR2):c.704G>T (p.Gly235Val)

Gene: DDR2 (discoidin domain receptor tyrosine kinase 2; plus strand). Cytogenetic location: 1q23.3.
Variant type: single nucleotide variant.
Coding change: c.704G>T on transcript NM_006182.4 (MANE Select); coding-DNA position 704, G replaced by T.
Protein change: p.Gly235Val; replaces glycine 235 with valine.
Molecular consequence: missense variant.
Genome position (GRCh38, 1-based): chr1:162,759,828, G>T. VCF-style: chr1-162759828-G-T. GRCh37 (hg19) VCF-style: chr1-162729618-G-T.
Other names: c.704G>T, p.Gly235Val (NM_001014796.3, NM_001354982.2, NM_001354983.2); short protein forms G235V.
Identifiers: ClinVar variation 1716962 (VCV001716962.5), dbSNP rs1381891916, ClinGen allele CA343408304.
Genomic context (GRCh38, chr1:162,759,828, plus strand): 5'-TTTCCTCCTCTTCTCCTGGCCTGAGCAGCATGACAGAAGGGCTAGGCCAATTGACCGATG[G>T]TGTGTCTGGCCTGGACGATTTCACCCAGACCCATGAATACCACGTGTGGCCCGGCTATGA-3'
Protein context (NP_006173.2, residues 225-245): MTEGLGQLTD[Gly235Val]VSGLDDFTQT